The following is an entry in ClinVar:

ClinVar aggregate classification (germline): Likely pathogenic (1 of 4 stars; one submission).

Conditions:
Wiskott-Aldrich syndrome (WAS). Also called: Wiskott-aldrich syndrome, somatic; ALDRICH SYNDROME; IMMUNODEFICIENCY 2; WISKOTT-ALDRICH SYNDROME 1. Identifiers: Orphanet 906, MedGen C0043194, MONDO:0010518, OMIM 301000.

Submission:

3billion
Classification: Likely pathogenic for Wiskott-Aldrich syndrome. Last evaluated: 2022-09-01. Review status: criteria provided, single submitter. Criteria: ACMG Guidelines, 2015. Collection method: clinical testing. Allele origin: germline. Affected: yes. Observed: 1 heterozygote.
Comment: The variant is not observed in the gnomAD v2.1.1 dataset. Frameshift variant is predicted to result in a loss or disruption of normal protein function through nonsense-mediated decay (NMD) or protein truncation. Multiple pathogenic variants are reported downstream of the variant. Therefore, this variant is classified as Likely pathogenic according to the recommendation of ACMG/AMP guideline.

NM_000377.3(WAS):c.315dup (p.Val106fs)

Gene: WAS (WASP actin nucleation promoting factor; plus strand). Cytogenetic location: Xp11.23.
Variant type: Duplication.
Coding change: c.315dup on transcript NM_000377.3 (MANE Select); coding-DNA position 315, one base duplicated (T; older notation c.315dupT).
Protein change: p.Val106fs; shifts the reading frame from valine 106.
Molecular consequence: frameshift variant.
Genome position (GRCh38, 1-based): chrX:48,685,588, T duplicated; the last of 2 consecutive T bases (chrX:48,685,587-48,685,588); duplicating either gives the same sequence. VCF-style (leftmost placement, unchanged base first): chrX-48685586-C-CT. GRCh37 (hg19) VCF-style: chrX-48543975-C-CT.
Other names: short protein forms V106fs.
Identifiers: ClinVar variation 1705367 (VCV001705367.1), dbSNP rs2519280181, ClinGen allele CA2580101043.